The following is an entry in ClinVar:

ClinVar aggregate classification (germline): Uncertain significance. Review status: criteria provided, multiple submitters, no conflicts (2 of 4 stars). 3 submissions from 3 submitters: Uncertain significance (3). Last evaluated 2025-11-13.

Conditions:
Hereditary cancer-predisposing syndrome. Also called: Hereditary Cancer Syndrome; Neoplastic Syndromes, Hereditary; Tumor predisposition; Hereditary neoplastic syndrome. Identifiers: Orphanet 140162, MedGen C0027672, MeSH D009386, MONDO:0015356.
Microcephaly, normal intelligence and immunodeficiency (NBS). Also called: Immunodeficiency, microcephaly with normal intelligence; SEEMANOVA SYNDROME II; Nijmegen breakage syndrome; Microcephaly with normal intelligence immunodeficiency and lymphoreticular malignancies; Nonsyndromal microcephaly autosomal recessive with normal intelligence; Seemanova syndrome 2. Identifiers: Orphanet 647, MedGen C0398791, MONDO:0009623, OMIM 251260.

Submissions (3):

Ambry Genetics
Classification: Uncertain significance for Hereditary cancer-predisposing syndrome. Last evaluated: 2025-11-13. Review status: criteria provided, single submitter. Criteria: Ambry Variant Classification Scheme 2023. Collection method: clinical testing. Allele origin: germline.
Comment: The p.P354A variant (also known as c.1060C>G), located in coding exon 9 of the NBN gene, results from a C to G substitution at nucleotide position 1060. The proline at codon 354 is replaced by alanine, an amino acid with highly similar properties. This amino acid position is conserved. In addition, this alteration is predicted to be tolerated by in silico analysis. Since supporting evidence is limited at this time, the clinical significance of this alteration remains unclear.

Genome-Nilou Lab
Classification: Uncertain significance for Microcephaly, normal intelligence and immunodeficiency. Last evaluated: 2021-11-07. Review status: criteria provided, single submitter. Criteria: ACMG Guidelines, 2015. Collection method: clinical testing. Allele origin: germline. Affected: no.

Labcorp Genetics (formerly Invitae), Labcorp
Classification: Uncertain significance for Microcephaly, normal intelligence and immunodeficiency. Last evaluated: 2019-02-17. Review status: criteria provided, single submitter. Criteria: Invitae Variant Classification Sherloc (09022015). Collection method: clinical testing. Allele origin: germline.
Comment: Algorithms developed to predict the effect of missense changes on protein structure and function (SIFT, PolyPhen-2, Align-GVGD) all suggest that this variant is likely to be tolerated, but these predictions have not been confirmed by published functional studies and their clinical significance is uncertain. This variant has not been reported in the literature in individuals with NBN-related conditions. This variant is not present in population databases (ExAC no frequency). This sequence change replaces proline with alanine at codon 354 of the NBN protein (p.Pro354Ala). The proline residue is highly conserved and there is a small physicochemical difference between proline and alanine. In summary, the available evidence is currently insufficient to determine the role of this variant in disease. Therefore, it has been classified as a Variant of Uncertain Significance.

NM_002485.5(NBN):c.1060C>G (p.Pro354Ala)

Gene: NBN (nibrin; minus strand). Cytogenetic location: 8q21.3.
Variant type: single nucleotide variant.
Coding change: c.1060C>G on transcript NM_002485.5 (MANE Select); coding-DNA position 1060, C replaced by G.
Protein change: p.Pro354Ala; replaces proline 354 with alanine.
Molecular consequence: missense variant.
Genome position (GRCh38, 1-based): chr8:89,958,789, G>C on the plus strand (C>G on the coding strand, the complement: NBN is on the minus strand). VCF-style: chr8-89958789-G-C. GRCh37 (hg19) VCF-style: chr8-90971017-G-C.
Other names: c.814C>G, p.Pro272Ala (NM_001024688.3); short protein forms P354A, P272A.
Identifiers: ClinVar variation 630882 (VCV000630882.18), dbSNP rs1064794336, ClinGen allele CA371656691.